The following is an entry in ClinVar:

NM_001042492.3(NF1):c.4835G>A (p.Arg1612Lys)

Gene: NF1 (neurofibromin 1; plus strand). Cytogenetic location: 17q11.2.
Variant type: single nucleotide variant.
Coding change: c.4835G>A on transcript NM_001042492.3 (MANE Select); coding-DNA position 4835, G replaced by A.
Protein change: p.Arg1612Lys; replaces arginine 1612 with lysine.
Molecular consequence: missense variant.
Genome position (GRCh38, 1-based): chr17:31,265,339, G>A. VCF-style: chr17-31265339-G-A. GRCh37 (hg19) VCF-style: chr17-29592357-G-A.
Other names: c.4772G>A, p.Arg1591Lys (NM_000267.4); short protein forms R1591K, R1612K.
Identifiers: ClinVar variation 484155 (VCV000484155.8), dbSNP rs1555619423, ClinGen allele CA399001389.

ClinVar aggregate classification (germline): Uncertain significance. Review status: criteria provided, multiple submitters, no conflicts (2 of 4 stars). 2 submissions from 2 submitters: Uncertain significance (2). Last evaluated 2026-03-17.

Conditions:
NF1-related disorder. Also called: NF1-related condition. Identifiers: MedGen CN379171.
Hereditary cancer-predisposing syndrome. Also called: Tumor predisposition; Hereditary neoplastic syndrome; Neoplastic Syndromes, Hereditary; Hereditary Cancer Syndrome. Identifiers: Orphanet 140162, MedGen C0027672, MeSH D009386, MONDO:0015356.
Cardiovascular phenotype. Identifiers: MedGen CN230736.

Submissions (2):

Ambry Genetics
Classification: Uncertain significance for Cardiovascular phenotype; Hereditary cancer-predisposing syndrome. Last evaluated: 2026-03-17. Review status: criteria provided, single submitter. Criteria: Ambry Variant Classification Scheme 2023. Collection method: clinical testing. Allele origin: germline.
Comment: The p.R1591K variant (also known as c.4772G>A), located in coding exon 35 of the NF1 gene, results from a G to A substitution at nucleotide position 4772. The arginine at codon 1591 is replaced by lysine, an amino acid with highly similar properties. However, this change occurs in the last base pair of coding exon 35, which makes it likely to have some effect on normal mRNA splicing. This nucleotide position is highly conserved in available vertebrate species. In silico splice site analysis predicts that this alteration may weaken the native splice donor site. RNA studies have demonstrated that this variant results in an incomplete splice defect; the clinical impact of this abnormal splicing is unknown at this time (Ambry internal data). This amino acid position is highly conserved in available vertebrate species. In addition, as a missense substitution this is predicted to be inconclusive by in silico analysis. Based on the available evidence, the clinical significance of this variant remains unclear.

PreventionGenetics, part of Exact Sciences
Classification: Uncertain significance for NF1-related condition. Last evaluated: 2023-07-20. Review status: criteria provided, single submitter. Criteria: ACMG Guidelines, 2015. Collection method: clinical testing. Allele origin: germline.
Comment: The NF1 c.4835G>A variant is predicted to result in the amino acid substitution p.Arg1612Lys. This variant occurs at the last nucleotide of the exon and is predicted to slightly weaken the canonical splice donor site (Alamut Visual Plus 1.6.1). To our knowledge, this variant has not been reported in the literature or in a large population database, indicating this variant is rare. At this time, the clinical significance of this variant is uncertain due to the absence of conclusive functional and genetic evidence.